The following is an entry in ClinVar:

NM_177438.3(DICER1):c.-122G>A

Genes: DICER1 (dicer 1, ribonuclease III; minus strand), LOC130056358 (ATAC-STARR-seq lymphoblastoid silent region 6042; plus strand). Cytogenetic location: 14q32.13.
Variant type: single nucleotide variant.
Coding change: c.-122G>A on transcript NM_177438.3 (MANE Select); 122 bases upstream of the start codon, G replaced by A.
Molecular consequence: 5 prime UTR variant. On other transcripts: intron variant (2).
Genome position (GRCh38, 1-based): chr14:95,157,306, C>T on the plus strand (G>A on the coding strand, the complement: DICER1 is on the minus strand). VCF-style: chr14-95157306-C-T. GRCh37 (hg19) VCF-style: chr14-95623643-C-T.
Other names: c.-42+625G>A (NM_001291628.2); c.-213+625G>A (NM_030621.4).
Identifiers: ClinVar variation 887066 (VCV000887066.5), dbSNP rs535171242, ClinGen allele CA265898213.

ClinVar aggregate classification (germline): Benign (1 of 4 stars; one submission).

Conditions:
DICER1-related tumor predisposition. Also called: DICER1 syndrome; DICER1-related pleuropulmonary blastoma cancer predisposition syndrome. Identifiers: Orphanet 284343, MedGen C3839822, MONDO:0100216.

Allele frequency attached by ClinVar (database versions not stated): gnomAD exomes 0.00027; 1000 Genomes Project 0.00160; 1000 Genomes Project 30x 0.00312; TOPMed 0.00329.
gnomAD v4.1: 397 of 154,928 alleles (0.26%); highest among the groups gnomAD compares: African/African-American, 0.85%; 2 homozygotes.

Submission:

Illumina Laboratory Services, Illumina
Classification: Benign for Pleuropulmonary blastoma. Last evaluated: 2018-01-12. Review status: criteria provided, single submitter. Criteria: ICSL Variant Classification Criteria 13 December 2019. Collection method: clinical testing. Allele origin: germline.
Comment: This variant was observed in the ICSL laboratory as part of a predisposition screen in an ostensibly healthy population. It had not been previously curated by ICSL or reported in the Human Gene Mutation Database (HGMD: prior to June 1st, 2018), and was therefore a candidate for classification through an automated scoring system. Utilizing variant allele frequency, disease prevalence and penetrance estimates, and inheritance mode, an automated score was calculated to assess if this variant is too frequent to cause the disease. Based on the score and internal cut-off values, a variant classified as benign is not then subjected to further curation. The score for this variant resulted in a classification of benign for this disease.